The following is an entry in ClinVar:

NC_000002.11:g.(?_109368307)_(109579739_?)del

Genes: CCDC138 (coiled-coil domain containing 138; plus strand), EDAR (ectodysplasin A receptor; minus strand), RANBP2 (RAN binding protein 2; plus strand). Cytogenetic location: 2q12.3.
Variant type: Deletion.
Identifiers: ClinVar variation 3247345 (VCV003247345.1).

ClinVar aggregate classification (germline): Uncertain significance (1 of 4 stars; one submission).

Conditions:
Familial acute necrotizing encephalopathy (IIAE3). Also called: ENCEPHALOPATHY, ACUTE, INFECTION-INDUCED, SUSCEPTIBILITY TO, 3; Susceptibility to Acute Necrotizing Encephalopathy 1. Identifiers: Orphanet 88619, MedGen C2675556, MONDO:0011953, OMIM 608033.

Submission:

Labcorp Genetics (formerly Invitae), Labcorp
Classification: Uncertain significance for Familial acute necrotizing encephalopathy. Last evaluated: 2023-10-05. Review status: criteria provided, single submitter. Criteria: Invitae Variant Classification Sherloc (09022015). Collection method: clinical testing. Allele origin: unknown.
Comment: This variant is a gross deletion of the genomic region encompassing exon(s) 12-29 of the RANBP2 gene, which includes the termination codon. This deletion extends beyond the assayed region for this gene and therefore may encompass additional genes. While this deletion is not anticipated to lead to nonsense mediated decay, it is expected to alter mRNA translation or result in a truncated protein product. This variant has not been reported in the literature in individuals affected with RANBP2-related conditions. In summary, the available evidence is currently insufficient to determine the role of this variant in disease. Therefore, it has been classified as a Variant of Uncertain Significance.